The following is an entry in ClinVar:

ClinVar aggregate classification (germline): Uncertain significance. Review status: criteria provided, multiple submitters, no conflicts (2 of 4 stars). 2 submissions from 2 submitters: Uncertain significance (2). Last evaluated 2024-12-29.

Conditions:
Hereditary cancer-predisposing syndrome. Also called: Neoplastic Syndromes, Hereditary; Hereditary Cancer Syndrome; Hereditary neoplastic syndrome; Tumor predisposition. Identifiers: Orphanet 140162, MedGen C0027672, MeSH D009386, MONDO:0015356.
Multiple endocrine neoplasia, type 2 (MEN2). Identifiers: Orphanet 653, MedGen C4048306, MONDO:0019003. Disease mechanism: gain of function.

Submissions (2):

Ambry Genetics
Classification: Uncertain significance for Hereditary cancer-predisposing syndrome. Last evaluated: 2024-12-29. Review status: criteria provided, single submitter. Criteria: Ambry Variant Classification Scheme 2023. Collection method: clinical testing. Allele origin: germline.
Comment: The p.V739I variant (also known as c.2215G>A), located in coding exon 12 of the RET gene, results from a G to A substitution at nucleotide position 2215. The valine at codon 739 is replaced by isoleucine, an amino acid with highly similar properties. This amino acid position is conserved. In addition, this alteration is predicted to be deleterious by in silico analysis. Based on the available evidence, the clinical significance of this variant remains unclear.

Labcorp Genetics (formerly Invitae), Labcorp
Classification: Uncertain significance for Multiple endocrine neoplasia, type 2. Last evaluated: 2020-10-01. Review status: criteria provided, single submitter. Criteria: Invitae Variant Classification Sherloc (09022015). Collection method: clinical testing. Allele origin: germline.
Comment: In summary, the available evidence is currently insufficient to determine the role of this variant in disease. Therefore, it has been classified as a Variant of Uncertain Significance. Algorithms developed to predict the effect of missense changes on protein structure and function are either unavailable or do not agree on the potential impact of this missense change (SIFT: "Tolerated"; PolyPhen-2: "Probably Damaging"; Align-GVGD: "Class C0"). This variant has not been reported in the literature in individuals with RET-related conditions. This variant is not present in population databases (ExAC no frequency). This sequence change replaces valine with isoleucine at codon 739 of the RET protein (p.Val739Ile). The valine residue is highly conserved and there is a small physicochemical difference between valine and isoleucine.

NM_020975.6(RET):c.2215G>A (p.Val739Ile)

Gene: RET (ret proto-oncogene; plus strand). Cytogenetic location: 10q11.21.
Variant type: single nucleotide variant.
Coding change: c.2215G>A on transcript NM_020975.6 (MANE Select); coding-DNA position 2215, G replaced by A.
Protein change: p.Val739Ile; replaces valine 739 with isoleucine.
Molecular consequence: missense variant.
Genome position (GRCh38, 1-based): chr10:43,116,662, G>A. VCF-style: chr10-43116662-G-A. GRCh37 (hg19) VCF-style: chr10-43612110-G-A.
Other names: c.2215G>A, p.Val739Ile (NM_000323.2, NM_001406743.1, NM_001406744.1 and 4 more transcripts); c.1453G>A, p.Val485Ile (NM_001355216.2); c.2086G>A, p.Val696Ile (NM_001406761.1, NM_001406762.1, NM_001406764.1); c.2080G>A, p.Val694Ile (NM_001406763.1, NM_001406765.1); c.1927G>A, p.Val643Ile (NM_001406766.1, NM_001406767.1, NM_001406770.1); c.1951G>A, p.Val651Ile (NM_001406768.1); c.1819G>A, p.Val607Ile (NM_001406769.1, NM_001406772.1); c.1777G>A, p.Val593Ile (NM_001406771.1, NM_001406773.1); and 10 more; short protein forms V485I, V739I, V256I, V304I, V397I, V497I, V564I, V593I.
Identifiers: ClinVar variation 1058520 (VCV001058520.11), dbSNP rs2132906367, ClinGen allele CA376554545.